The following is an entry in ClinVar:

NM_174916.3(UBR1):c.3552T>C (p.His1184=)

Gene: UBR1 (ubiquitin protein ligase E3 component n-recognin 1; minus strand). Cytogenetic location: 15q15.2.
Variant type: single nucleotide variant.
Coding change: c.3552T>C on transcript NM_174916.3 (MANE Select); coding-DNA position 3552, T replaced by C.
Protein change: p.His1184=; no amino-acid change (histidine 1184 retained).
Molecular consequence: synonymous variant.
Genome position (GRCh38, 1-based): chr15:43,002,662, A>G on the plus strand (T>C on the coding strand, the complement: UBR1 is on the minus strand). VCF-style: chr15-43002662-A-G. GRCh37 (hg19) VCF-style: chr15-43294860-A-G.
Identifiers: ClinVar variation 2070071 (VCV002070071.9), dbSNP rs371995039, ClinGen allele CA269939980.
Genomic context (GRCh38, chr15:43,002,662, plus strand): 5'-GCACAGAGATTTGCAAAGAGGGCAAAGATATTCTCCACTTTCCAAGTCAAAAAGGTCAAC[A>G]TGAATGCGCTGCTGAGAGCTCAGCTGTACAGCTTCAAAATACCTGCAAAATTACAAAGAC-3'
Protein context (NP_777576.1, residues 1174-1194): AVQLSSQQRI[His1184=]VDLFDLESGE

ClinVar aggregate classification (germline): Likely benign. Review status: criteria provided, multiple submitters, no conflicts (2 of 4 stars). 3 submissions from 3 submitters: Likely benign (3). Last evaluated 2026-03-01.

Allele frequency attached by ClinVar (database versions not stated): gnomAD 0.00001; TOPMed 0.00003; ESP Exome Variant Server 0.00008.
gnomAD v4.1: 24 of 1,614,100 alleles (0.0015%); highest among the groups gnomAD compares: Middle Eastern, 0.016%; no homozygotes.

Submissions (3):

CeGaT Center for Human Genetics Tuebingen
Classification: Likely benign. Last evaluated: 2026-03-01. Review status: criteria provided, single submitter. Criteria: CeGaT Center For Human Genetics Tuebingen Variant Classification Criteria Version 2. Collection method: clinical testing. Allele origin: germline. Affected: yes. Observed: 1 variant allele.
Comment: UBR1: BP4, BP7

Labcorp Genetics (formerly Invitae), Labcorp
Classification: Likely benign. Last evaluated: 2025-10-21. Review status: criteria provided, single submitter. Criteria: Invitae Variant Classification Sherloc (09022015). Collection method: clinical testing. Allele origin: germline.

Blueprint Genetics
Classification: Likely benign. Last evaluated: 2024-05-08. Review status: criteria provided, single submitter. Criteria: ACMG Guidelines, 2015. Collection method: clinical testing. Allele origin: germline.